The following is an entry in ClinVar:

ClinVar aggregate classification (germline): Uncertain significance (1 of 4 stars; one submission).

Submission:

GeneDx
Classification: Uncertain significance. Last evaluated: 2022-05-04. Review status: criteria provided, single submitter. Criteria: GeneDx Variant Classification Process June 2021. Collection method: clinical testing. Allele origin: germline. Affected: yes.
Comment: Has not been previously published as pathogenic or benign to our knowledge; Not observed at significant frequency in large population cohorts (gnomAD); Canonical splice site variant in a gene or region of a gene for which loss of function is not a well-established mechanism of disease; This variant is associated with the following publications: (PMID: 27535533)

NM_001035.3(RYR2):c.6023-1G>A

Gene: RYR2 (ryanodine receptor 2; plus strand). Cytogenetic location: 1q43.
Variant type: single nucleotide variant.
Coding change: c.6023-1G>A on transcript NM_001035.3 (MANE Select); the canonical splice acceptor site of the intron before coding-DNA position 6023, G replaced by A.
Molecular consequence: splice acceptor variant.
Genome position (GRCh38, 1-based): chr1:237,625,660, G>A. VCF-style: chr1-237625660-G-A. GRCh37 (hg19) VCF-style: chr1-237788960-G-A.
Identifiers: ClinVar variation 1683982 (VCV001683982.2), dbSNP rs2148657501, ClinGen allele CA345408696.
Genomic context (GRCh38, chr1:237,625,660, plus strand): 5'-ATTATTTGCCCAAGTGTATTCTTTAAATATTTTTTTCTGCCTCTCTGTTTTTTTATACTA[G>A]GAATTGAGCTGGATGAAGATGGGTCTCTGGATGGAAACAGTGATTTAACAATTAGAGGGC-3'